The following is an entry in ClinVar:

ClinVar aggregate classification (germline): Uncertain significance (1 of 4 stars; one submission).

Conditions:
Congenital myotonia, autosomal recessive form. Also called: Becker Generalized Myotonia; myotonia congenita, autosomal recessive; BECKER DISEASE. Identifiers: Orphanet 614, MedGen C0751360, MONDO:0009715, OMIM 255700.

Submission:

Clinical Omics and Informatics (COIN) Unit, Neuroscience Institute, University Of Cape Town
Classification: Uncertain significance for Congenital myotonia, autosomal recessive form. Last evaluated: 2025-02-10. Review status: criteria provided, single submitter. Criteria: ACMG Guidelines, 2015. Collection method: research. Allele origin: germline. Inheritance: Autosomal recessive inheritance. Affected: yes. Observed: 1 variant allele, 1 compound heterozygote.
Comment: PM2_supporting: this variant is absent from gnomAD v2.1.1 and v3.1.2 (adequate coverage >20X confirmed) and an internal database. PP3 met: Does not meet criteria for evaluation under PVS1. SpliceAI score ≥ 0.2. SQUIRLS score is 1.0. The variant creates an AG dinucleotide in the AG exclusion zone of the canonical acceptor site. SQUIRLS predicts that the variant creates a cryptic acceptor site at 7:143,351,584 which would lead to the addition of 10 bases to the coding sequence, i.e. an out of frame consequence for exon 23 as the variant is in intron 22. At least 3 other pathogenic LOF variants in exon 23 have been identified in patients with AR myotonia congenita. PM3 met (1.5 points total): variant found together with pathogenic p.Phe307Ser variant in proband under assessment with phase unknown- 0.5 points. Arg421Cys and c.2596-11 C>G found in two unrelated probands with autosomal recessive myotonia congenita (PMID 28662944, 23810313)- 0.5 points each. PS4 not met as probands scored under PM3. Sequencing funded by the International Centre for Genomic Medicine in Neuromuscular Diseases (ICGNMD).

Literature cited by the submitters: PubMed 28662944; PubMed 23810313.

NC_000007.14:g.133248714C>T

Variant type: single nucleotide variant.
Genome position: GRCh38 VCF-style: chr7-133248714-C-T. GRCh37 (hg19) VCF-style: chr7-132933470-C-T.
Identifiers: ClinVar variation 3731301 (VCV003731301.2).